The following is an entry in ClinVar:

NM_213599.3(ANO5):c.526C>T (p.Pro176Ser)

Gene: ANO5 (anoctamin 5; plus strand). Cytogenetic location: 11p14.3.
Variant type: single nucleotide variant.
Coding change: c.526C>T on transcript NM_213599.3 (MANE Select); coding-DNA position 526, C replaced by T.
Protein change: p.Pro176Ser; replaces proline 176 with serine.
Molecular consequence: missense variant.
Genome position (GRCh38, 1-based): chr11:22,227,464, C>T. VCF-style: chr11-22227464-C-T. GRCh37 (hg19) VCF-style: chr11-22249010-C-T.
Other names: c.523C>T, p.Pro175Ser (NM_001142649.2); c.484C>T, p.Pro162Ser (NM_001410963.1); c.481C>T, p.Pro161Ser (NM_001410964.1); short protein forms P161S, P175S, P162S, P176S.
Identifiers: ClinVar variation 2944062 (VCV002944062.3), dbSNP rs2494150393, ClinGen allele CA379919833.
Genomic context (GRCh38, chr11:22,227,464, plus strand): 5'-AGTGATATTCCCCGCCCTAAGCACACTCCTATAAGCTATGTGCTTGGACCTGTAAGACTC[C>T]CACTGAGTGTGAAGTATCCCCATCCTGAATATTTTACTGCACAATTCAGCAGACATCGGC-3'
Protein context (NP_998764.1, residues 166-186): ISYVLGPVRL[Pro176Ser]LSVKYPHPEY

ClinVar aggregate classification (germline): Uncertain significance (1 of 4 stars; one submission).

Conditions:
Gnathodiaphyseal dysplasia (GDD). Also called: GNATHODIAPHYSEAL SCLEROSIS; OSTEOGENESIS IMPERFECTA WITH UNUSUAL SKELETAL LESIONS. Identifiers: Orphanet 53697, MedGen C1833736, MONDO:0008151, OMIM 166260.
Autosomal recessive limb-girdle muscular dystrophy type 2L (LGMDR12). Also called: Limb-girdle muscular dystrophy, type 2L; MUSCULAR DYSTROPHY, LIMB-GIRDLE, AUTOSOMAL RECESSIVE 12; Limb-Girdle Muscular Dystrophy R12 Anoctamin-5-Related (LGMD-R12). Identifiers: Orphanet 206549, MedGen C1969785, MONDO:0012652, OMIM 611307.

Submission:

Labcorp Genetics (formerly Invitae), Labcorp
Classification: Uncertain significance for Autosomal recessive limb-girdle muscular dystrophy type 2L; Gnathodiaphyseal dysplasia. Last evaluated: 2023-02-08. Review status: criteria provided, single submitter. Criteria: Invitae Variant Classification Sherloc (09022015). Collection method: clinical testing. Allele origin: germline.
Comment: In summary, the available evidence is currently insufficient to determine the role of this variant in disease. Therefore, it has been classified as a Variant of Uncertain Significance. Advanced modeling of protein sequence and biophysical properties (such as structural, functional, and spatial information, amino acid conservation, physicochemical variation, residue mobility, and thermodynamic stability) has been performed at Invitae for this missense variant, however the output from this modeling did not meet the statistical confidence thresholds required to predict the impact of this variant on ANO5 protein function. This variant has not been reported in the literature in individuals affected with ANO5-related conditions. This variant is not present in population databases (gnomAD no frequency). This sequence change replaces proline, which is neutral and non-polar, with serine, which is neutral and polar, at codon 176 of the ANO5 protein (p.Pro176Ser).